The following is an entry in ClinVar:

ClinVar aggregate classification (germline): Likely benign (1 of 4 stars; one submission).

Conditions:
SEMA3C-related disorder. Also called: SEMA3C-related condition.

gnomAD v4.1: 44 of 1,613,900 alleles (0.0027%); highest among the groups gnomAD compares: Middle Eastern, 0.033%; no homozygotes.

Submission:

PreventionGenetics, part of Exact Sciences
Classification: Likely benign for SEMA3C-related condition. Last evaluated: 2025-03-26. Review status: criteria provided, single submitter. Criteria: ACMG Guidelines, 2015. Collection method: clinical testing. Allele origin: germline.
Comment: This variant is classified as likely benign based on ACMG/AMP sequence variant interpretation guidelines (Richards et al. 2015 PMID: 25741868, with internal and published modifications).

NM_006379.5(SEMA3C):c.1314C>T (p.Asn438=)

Gene: SEMA3C (semaphorin 3C; minus strand). Cytogenetic location: 7q21.11.
Variant type: single nucleotide variant.
Coding change: c.1314C>T on transcript NM_006379.5 (MANE Select); coding-DNA position 1314, C replaced by T.
Protein change: p.Asn438=; no amino-acid change (asparagine 438 retained).
Molecular consequence: synonymous variant.
Genome position (GRCh38, 1-based): chr7:80,789,346, G>A on the plus strand (C>T on the coding strand, the complement: SEMA3C is on the minus strand). VCF-style: chr7-80789346-G-A. GRCh37 (hg19) VCF-style: chr7-80418662-G-A.
Other names: c.1368C>T, p.Asn456= (NM_001350120.2); c.1140C>T, p.Asn380= (NM_001350121.2).
Identifiers: ClinVar variation 4979791 (VCV004979791.1).